The following is an entry in ClinVar:

ClinVar aggregate classification (germline): Uncertain significance (1 of 4 stars; one submission).

Conditions:
Chuvash polycythemia. Also called: POLYCYTHEMIA, VHL-DEPENDENT. Identifiers: Orphanet 238557, MedGen C1837915, MONDO:0009892, OMIM 263400.
Von Hippel-Lindau syndrome (VHLS). Also called: von Hippel–Lindau syndrome; Von Hippel-Lindau; VHL syndrome. Identifiers: Orphanet 892, MedGen C0019562, MONDO:0008667, OMIM 193300. Disease mechanism: loss of function.

Submission:

Labcorp Genetics (formerly Invitae), Labcorp
Classification: Uncertain significance for Von Hippel-Lindau syndrome; Chuvash polycythemia. Last evaluated: 2022-06-22. Review status: criteria provided, single submitter. Criteria: Invitae Variant Classification Sherloc (09022015). Collection method: clinical testing. Allele origin: germline.
Comment: In summary, the available evidence is currently insufficient to determine the role of this variant in disease. Therefore, it has been classified as a Variant of Uncertain Significance. Algorithms developed to predict the effect of sequence changes on RNA splicing suggest that this variant is not likely to affect RNA splicing. Experimental studies and prediction algorithms are not available or were not evaluated, and the functional significance of this variant is currently unknown. This variant has not been reported in the literature in individuals affected with VHL-related conditions. This variant is not present in population databases (gnomAD no frequency). This sequence change falls in intron 1 of the VHL gene. It is not expected to change the encoded amino acid sequence of the VHL protein. However, this sequence change falls within a cryptic exon in the VHL gene, known as exon E1’, which is naturally expressed at low levels in several human tissues (PMID: 29891534).

Literature cited by the submitters: PubMed 29891534.

NM_000551.4(VHL):c.340+692G>T

Genes: VHL (von Hippel-Lindau tumor suppressor; plus strand), LOC107303340 (3p25 von Hippel-Lindau tumor suppressor, E3 ubiquitin protein ligase Alu-mediated recombination region; plus strand). Cytogenetic location: 3p25.3.
Variant type: single nucleotide variant.
Coding change: c.340+692G>T on transcript NM_000551.4 (MANE Select); 692 bases into the intron after coding-DNA position 340, G replaced by T.
Molecular consequence: intron variant. On other transcripts: nonsense (1).
Genome position (GRCh38, 1-based): chr3:10,142,879, G>T. VCF-style: chr3-10142879-G-T. GRCh37 (hg19) VCF-style: chr3-10184563-G-T.
Other names: c.457G>T, p.Gly153Ter (NM_001354723.2); c.340+692G>T (NM_198156.3); short protein forms G153*.
Identifiers: ClinVar variation 1440914 (VCV001440914.8), dbSNP rs943884473, ClinGen allele CA2573136116.
Genomic context (GRCh38, chr3:10,142,879, plus strand): 5'-TTCCTCCTGGGGAGACTGACAGATGCAAAGACAGGAACAAGCCAGGGTCATGTTGGCGCC[G>T]GAAGAGCCGACCGTGTGTGGCGTGGGAAATTGACTTACCTGCCTGCTGGGAGATGGAGGG-3'